The following is an entry in ClinVar:

ClinVar aggregate classification (germline): Uncertain significance. Review status: criteria provided, multiple submitters, no conflicts (2 of 4 stars). 3 submissions from 3 submitters: Uncertain significance (3). Last evaluated 2024-10-22.

Conditions:
Arrhythmogenic right ventricular dysplasia 10. Also called: Arrhythmogenic Right Ventricular Dysplasia/Cardiomyopathy10; ARRHYTHMOGENIC RIGHT VENTRICULAR DYSPLASIA, FAMILIAL, 10; Arrhythmogenic right ventricular dysplasia/cardiomyopathy, type 10. Identifiers: MedGen C1857777, MONDO:0012434, OMIM 610193.
Dilated cardiomyopathy 1BB (CMD1BB). Also called: CARDIOMYOPATHY, DILATED, 1BB, SUSCEPTIBILITY TO. Identifiers: Orphanet 154, MedGen C2752072, MONDO:0013030, OMIM 612877.
Cardiomyopathy (CMYO). Also called: Cardiomyopathies. Identifiers: Orphanet 167848, MedGen C0878544, MONDO:0004994, HP:0001638. Inheritance: Various modes of inheritance.

Allele frequency attached by ClinVar (database versions not stated): gnomAD exomes below 0.00001.
gnomAD v4.1: 1 of 1,612,240 alleles (0.000062%); highest among the groups gnomAD compares: Non-Finnish European, 0.000085%; no homozygotes.

Submissions (3):

Labcorp Genetics (formerly Invitae), Labcorp
Classification: Uncertain significance for Arrhythmogenic right ventricular dysplasia 10. Last evaluated: 2024-10-22. Review status: criteria provided, single submitter. Criteria: Invitae Variant Classification Sherloc (09022015). Collection method: clinical testing. Allele origin: germline.
Comment: This sequence change replaces isoleucine, which is neutral and non-polar, with threonine, which is neutral and polar, at codon 16 of the DSG2 protein (p.Ile16Thr). This variant is present in population databases (no rsID available, gnomAD 0.003%). This variant has not been reported in the literature in individuals affected with DSG2-related conditions. ClinVar contains an entry for this variant (Variation ID: 926324). Invitae Evidence Modeling of protein sequence and biophysical properties (such as structural, functional, and spatial information, amino acid conservation, physicochemical variation, residue mobility, and thermodynamic stability) indicates that this missense variant is not expected to disrupt DSG2 protein function with a negative predictive value of 95%. In summary, the available evidence is currently insufficient to determine the role of this variant in disease. Therefore, it has been classified as a Variant of Uncertain Significance.

Fulgent Genetics
Classification: Uncertain significance for Arrhythmogenic right ventricular dysplasia 10; Dilated cardiomyopathy 1BB. Last evaluated: 2021-11-12. Review status: criteria provided, single submitter. Criteria: ACMG Guidelines, 2015. Collection method: clinical testing. Allele origin: unknown.

Color Diagnostics, LLC DBA Color Health
Classification: Uncertain significance for Cardiomyopathy. Last evaluated: 2020-01-29. Review status: criteria provided, single submitter. Criteria: ACMG Guidelines, 2015. Collection method: clinical testing. Allele origin: germline.
Comment: This missense variant replaces isoleucine with threonine at codon 16 of the DSG2 protein. Computational prediction suggests that this variant may not impact protein structure and function (internally defined REVEL score threshold <= 0.5, PMID: 27666373). Splice site prediction tools suggest that this variant may not impact RNA splicing. To our knowledge, functional studies have not been performed for this variant. This variant has not been reported in individuals affected with cardiovascular disorders in the literature. This variant has been identified in 1/249332 chromosomes in the general population by the Genome Aggregation Database (gnomAD). The available evidence is insufficient to determine the role of this variant in disease conclusively. Therefore, this variant is classified as a Variant of Uncertain Significance.

NM_001943.5(DSG2):c.47T>C (p.Ile16Thr)

Gene: DSG2 (desmoglein 2; plus strand). Cytogenetic location: 18q12.1.
Variant type: single nucleotide variant.
Coding change: c.47T>C on transcript NM_001943.5 (MANE Select); coding-DNA position 47, T replaced by C.
Protein change: p.Ile16Thr; replaces isoleucine 16 with threonine.
Molecular consequence: missense variant.
Genome position (GRCh38, 1-based): chr18:31,518,240, T>C. VCF-style: chr18-31518240-T-C. GRCh37 (hg19) VCF-style: chr18-29098203-T-C.
Other names: short protein forms I16T.
Identifiers: ClinVar variation 926324 (VCV000926324.6), dbSNP rs1478351535, ClinGen allele CA402129840.